The following is an entry in ClinVar:

ClinVar aggregate classification (germline): Uncertain significance (1 of 4 stars; one submission).

Conditions:
X-linked immunodeficiency with magnesium defect, Epstein-Barr virus infection and neoplasia. Identifiers: Orphanet 317476, MedGen C3275445, MONDO:0010455, OMIM 300853.

Submission:

Labcorp Genetics (formerly Invitae), Labcorp
Classification: Uncertain significance for X-linked immunodeficiency with magnesium defect, Epstein-Barr virus infection and neoplasia. Last evaluated: 2025-12-17. Review status: criteria provided, single submitter. Criteria: Invitae Variant Classification Sherloc (09022015). Collection method: clinical testing. Allele origin: germline.
Comment: This sequence change replaces aspartic acid, which is acidic and polar, with glutamic acid, which is acidic and polar, at codon 207 of the MAGT1 protein (p.Asp207Glu). This variant is not present in population databases (gnomAD no frequency). This variant has not been reported in the literature in individuals affected with MAGT1-related conditions. Invitae Evidence Modeling of protein sequence and biophysical properties (such as structural, functional, and spatial information, amino acid conservation, physicochemical variation, residue mobility, and thermodynamic stability) indicates that this missense variant is not expected to disrupt MAGT1 protein function with a negative predictive value of 80%. In summary, the available evidence is currently insufficient to determine the role of this variant in disease. Therefore, it has been classified as a Variant of Uncertain Significance.

NM_001367916.1(MAGT1):c.525T>G (p.Asp175Glu)

Gene: MAGT1 (magnesium transporter 1; minus strand). Cytogenetic location: Xq21.1.
Variant type: single nucleotide variant.
Coding change: c.525T>G on transcript NM_001367916.1 (MANE Select); coding-DNA position 525, T replaced by G.
Protein change: p.Asp175Glu; replaces aspartic acid 175 with glutamic acid.
Molecular consequence: missense variant.
Genome position (GRCh38, 1-based): chrX:77,857,363, A>C on the plus strand (T>G on the coding strand, the complement: MAGT1 is on the minus strand). VCF-style: chrX-77857363-A-C. GRCh37 (hg19) VCF-style: chrX-77112860-A-C.
Other names: c.621T>G, p.Asp207Glu (NM_032121.5); short protein forms D207E, D175E.
Identifiers: ClinVar variation 4744835 (VCV004744835.1).